The following is an entry in ClinVar:

NM_000059.4(BRCA2):c.8362_8363del (p.Trp2788fs)

Gene: BRCA2 (BRCA2 DNA repair associated; plus strand). Cytogenetic location: 13q13.1.
Variant type: Deletion.
Coding change: c.8362_8363del on transcript NM_000059.4 (MANE Select); coding-DNA positions 8362 to 8363, 2 bases deleted (TG; older notation c.8362_8363delTG).
Protein change: p.Trp2788fs; shifts the reading frame from tryptophan 2788.
Molecular consequence: frameshift variant.
Genome position (GRCh38, 1-based): chr13:32,370,432-32,370,433, TG deleted. VCF-style (leftmost placement, unchanged base first): chr13-32370431-CTG-C. GRCh37 (hg19) VCF-style: chr13-32944568-CTG-C.
Other names: 8590delTG; short protein forms W2788fs.
Identifiers: ClinVar variation 267076 (VCV000267076.5), dbSNP rs886040765, ClinGen allele CA10589488.

ClinVar aggregate classification (germline): Pathogenic. Review status: reviewed by expert panel (3 of 4 stars). 2 submissions from 2 submitters: Pathogenic (1). 1 of the submissions does not count toward it. Last evaluated 2016-10-18.

Conditions:
Breast-ovarian cancer, familial, susceptibility to, 2 (BROVCA2). Also called: BRCA2 Hereditary Breast and Ovarian Cancer. Identifiers: Orphanet 145, MedGen C2675520, MONDO:0012933, OMIM 612555. Disease mechanism: loss of function.

Submissions (2):

Evidence-based Network for the Interpretation of Germline Mutant Alleles (ENIGMA)
Classification: Pathogenic for Breast-ovarian cancer, familial, susceptibility to, 2. Last evaluated: 2016-10-18. Review status: reviewed by expert panel. Criteria: ENIGMA BRCA1/2 Classification Criteria (2015). Collection method: curation. Allele origin: germline.
Comment: Variant allele predicted to encode a truncated non-functional protein.

Consortium of Investigators of Modifiers of BRCA1/2 (CIMBA), c/o University of Cambridge
Classification: Pathogenic for Breast-ovarian cancer, familial, susceptibility to, 2. Last evaluated: 2015-10-02. Review status: criteria provided, single submitter. Criteria: CIMBA Mutation Classification guidelines May 2016. Collection method: clinical testing. Allele origin: germline. Not counted in ClinVar's aggregate classification.